The following is an entry in ClinVar:

ClinVar aggregate classification (germline): Pathogenic. Review status: criteria provided, multiple submitters, no conflicts (2 of 4 stars). 2 submissions from 2 submitters: Pathogenic (2). Last evaluated 2023-08-10.

Conditions:
Intellectual developmental disorder, autosomal dominant 1. Also called: Intellectual disability, autosomal dominant 1; MBD5 Haploinsufficiency. Identifiers: Orphanet 228402, MedGen C1969562, MONDO:0007974, OMIM 156200.

Submissions (2):

Labcorp Genetics (formerly Invitae), Labcorp
Classification: Pathogenic for Intellectual developmental disorder, autosomal dominant 1. Last evaluated: 2023-08-10. Review status: criteria provided, single submitter. Criteria: Invitae Variant Classification Sherloc (09022015). Collection method: clinical testing. Allele origin: germline.
Comment: For these reasons, this variant has been classified as Pathogenic. ClinVar contains an entry for this variant (Variation ID: 620270). This premature translational stop signal has been observed in individual(s) with clinical features of MBD5-related conditions (PMID: 35385942). This variant is not present in population databases (gnomAD no frequency). This sequence change creates a premature translational stop signal (p.Gln587*) in the MBD5 gene. It is expected to result in an absent or disrupted protein product. Loss-of-function variants in MBD5 are known to be pathogenic (PMID: 23422940, 23587880).

GeneDx
Classification: Pathogenic. Last evaluated: 2018-07-19. Review status: criteria provided, single submitter. Criteria: GeneDx Variant Classification (06012015). Collection method: clinical testing. Allele origin: germline. Affected: yes.
Comment: The Q587X nonsense variant in the MBD5 gene is predicted to cause loss of normal protein function either through protein truncation or nonsense-mediated mRNA decay. The Q587X variant is not observed in large population cohorts (Lek et al., 2016). Although this pathogenic variant has not been reported previously to our knowledge, its presence is consistent with the diagnosis of an MBD5-related disorder in this individual.

Literature cited by the submitters: PubMed 35385942 (cited by Labcorp Genetics (formerly Invitae), Labcorp); PubMed 23422940 (cited by Labcorp Genetics (formerly Invitae), Labcorp); PubMed 23587880 (cited by Labcorp Genetics (formerly Invitae), Labcorp).

NM_001378120.1(MBD5):c.1759C>T (p.Gln587Ter)

Gene: MBD5 (methyl-CpG binding domain protein 5; plus strand). Cytogenetic location: 2q23.1.
Variant type: single nucleotide variant.
Coding change: c.1759C>T on transcript NM_001378120.1 (MANE Select); coding-DNA position 1759, C replaced by T.
Protein change: p.Gln587Ter; replaces glutamine 587 with a stop codon.
Molecular consequence: nonsense.
Genome position (GRCh38, 1-based): chr2:148,469,702, C>T. VCF-style: chr2-148469702-C-T. GRCh37 (hg19) VCF-style: chr2-149227271-C-T.
Other names: c.1759C>T, p.Gln587Ter (NM_018328.5); short protein forms Q587*.
Identifiers: ClinVar variation 620270 (VCV000620270.4), dbSNP rs1559087186, ClinGen allele CA348720375.